The following is an entry in ClinVar:

ClinVar aggregate classification (germline): Uncertain significance (1 of 4 stars; one submission).

Submission:

Labcorp Genetics (formerly Invitae), Labcorp
Classification: Uncertain significance. Last evaluated: 2021-09-01. Review status: criteria provided, single submitter. Criteria: Invitae Variant Classification Sherloc (09022015). Collection method: clinical testing. Allele origin: germline.
Comment: This sequence change replaces isoleucine with phenylalanine at codon 539 of the COL7A1 protein (p.Ile539Phe). The isoleucine residue is weakly conserved and there is a small physicochemical difference between isoleucine and phenylalanine. This variant is not present in population databases (ExAC no frequency). This variant has not been reported in the literature in individuals affected with COL7A1-related conditions. Advanced modeling of protein sequence and biophysical properties (such as structural, functional, and spatial information, amino acid conservation, physicochemical variation, residue mobility, and thermodynamic stability) performed at Invitae indicates that this missense variant is not expected to disrupt COL7A1 protein function. In summary, the available evidence is currently insufficient to determine the role of this variant in disease. Therefore, it has been classified as a Variant of Uncertain Significance.

NM_000094.4(COL7A1):c.1615A>T (p.Ile539Phe)

Gene: COL7A1 (collagen type VII alpha 1 chain; minus strand). Cytogenetic location: 3p21.31.
Variant type: single nucleotide variant.
Coding change: c.1615A>T on transcript NM_000094.4 (MANE Select); coding-DNA position 1615, A replaced by T.
Protein change: p.Ile539Phe; replaces isoleucine 539 with phenylalanine.
Molecular consequence: missense variant.
Genome position (GRCh38, 1-based): chr3:48,591,485, T>A on the plus strand (A>T on the coding strand, the complement: COL7A1 is on the minus strand). VCF-style: chr3-48591485-T-A. GRCh37 (hg19) VCF-style: chr3-48628918-T-A.
Other names: short protein forms I539F.
Identifiers: ClinVar variation 1062054 (VCV001062054.2), dbSNP rs1303497009, ClinGen allele CA352732620.